The following is an entry in ClinVar:

ClinVar aggregate classification (germline): Uncertain significance (1 of 4 stars; one submission).

Submission:

Clinical Genomics Laboratory, Laboratory for Precision Diagnostics, University of Washington
Classification: Uncertain significance. Last evaluated: 2024-04-15. Review status: criteria provided, single submitter. Criteria: ACMG/ClinGen CNV Guidelines, 2019. Collection method: clinical testing. Allele origin: unknown. Affected: yes. Observed: 1 variant allele.

GRCh38/hg38 Xp22.33(chrX:652757-1157783)x3

Genes: CNE4 (CNE4 enhancer downstream of SHOX; plus strand), CNE5 (CNE5 enhancer downstream of SHOX; plus strand), CNE6 (CNE6 enhancer downstream of SHOX; plus strand), CNE7 (CNE7 enhancer downstream of SHOX; plus strand), CNE8 (CNE8 enhancer downstream of SHOX; plus strand) and 4 more. Cytogenetic location: Xp22.33.
Variant type: copy number gain.
Change: copy number 3 of chrX:652,757-1,157,783 (505.0 kb, GRCh38 coordinates, 1-based), cytogenetic band Xp22.33.
Identifiers: ClinVar variation 4974736 (VCV004974736.1).